The following is an entry in ClinVar:

ClinVar aggregate classification (germline): Uncertain significance. Review status: criteria provided, multiple submitters, no conflicts (2 of 4 stars). 3 submissions from 3 submitters: Uncertain significance (3). Last evaluated 2025-09-30.

Allele frequency attached by ClinVar (database versions not stated): gnomAD exomes 0.00020 and 0.00048; ExAC 0.00023; gnomAD 0.00032; TOPMed 0.00034; 1000 Genomes Project 0.00040; ESP Exome Variant Server 0.00054; 1000 Genomes Project 30x 0.00062.
gnomAD v4.1: 751 of 1,613,910 alleles (0.047%); highest among the groups gnomAD compares: Non-Finnish European, 0.059%; no homozygotes.

Submissions (3):

Labcorp Genetics (formerly Invitae), Labcorp
Classification: Uncertain significance. Last evaluated: 2025-09-30. Review status: criteria provided, single submitter. Criteria: Invitae Variant Classification Sherloc (09022015). Collection method: clinical testing. Allele origin: germline.
Comment: This sequence change replaces valine, which is neutral and non-polar, with alanine, which is neutral and non-polar, at codon 450 of the TNS2 protein (p.Val450Ala). This variant is present in population databases (rs73099912, gnomAD 0.04%). This variant has not been reported in the literature in individuals affected with TNS2-related conditions. ClinVar contains an entry for this variant (Variation ID: 1442913). An algorithm developed to predict the effect of missense changes on protein structure and function (PolyPhen-2) suggests that this variant is likely to be tolerated. In summary, the available evidence is currently insufficient to determine the role of this variant in disease. Therefore, it has been classified as a Variant of Uncertain Significance.

Ambry Genetics
Classification: Uncertain significance. Last evaluated: 2023-09-20. Review status: criteria provided, single submitter. Criteria: Ambry Variant Classification Scheme 2023. Collection method: clinical testing. Allele origin: germline.

Breakthrough Genomics
Classification: Uncertain significance. Review status: criteria provided, single submitter. Criteria: ACMG Guidelines, 2015. Collection method: not provided. Allele origin: germline. Inheritance: Unknown mechanism. Affected: yes.

NM_170754.4(TNS2):c.1319T>C (p.Val440Ala)

Gene: TNS2 (tensin 2; plus strand). Cytogenetic location: 12q13.13.
Variant type: single nucleotide variant.
Coding change: c.1319T>C on transcript NM_170754.4 (MANE Select); coding-DNA position 1319, T replaced by C.
Protein change: p.Val440Ala; replaces valine 440 with alanine.
Molecular consequence: missense variant.
Genome position (GRCh38, 1-based): chr12:53,058,741, T>C. VCF-style: chr12-53058741-T-C. GRCh37 (hg19) VCF-style: chr12-53452525-T-C.
Other names: c.1319T>C, p.Val440Ala (NM_001416202.1, NM_001416204.1); c.1250T>C, p.Val417Ala (NM_001416203.1, NM_015319.3); c.947T>C, p.Val316Ala (NM_198316.2); short protein forms V440A, V450A, V316A, V417A.
Identifiers: ClinVar variation 1442913 (VCV001442913.8), dbSNP rs73099912, ClinGen allele CA6592292.
Genomic context (GRCh38, chr12:53,058,741, plus strand): 5'-CCTGCTCCCCAATACCCGAGTGGCCTTCCACAGGCAGCACTCCACGGAACGACCCCTCGG[T>C]CTCTGTCGACTACAACACCACTGAGCCAGCCGTGCGCTGGGACTCCTATGAGAACTTCAA-3'
Protein context (NP_736610.2, residues 430-450): KGSTPRNDPS[Val440Ala]SVDYNTTEPA